The following is an entry in ClinVar:

ClinVar aggregate classification (germline): Uncertain significance (1 of 4 stars; one submission).

gnomAD v4.1: 1 of 1,611,008 alleles (0.000062%); highest among the groups gnomAD compares: Non-Finnish European, 0.000085%; no homozygotes.

Submission:

GeneDx
Classification: Uncertain significance. Last evaluated: 2024-12-21. Review status: criteria provided, single submitter. Criteria: GeneDx Variant Classification Process June 2021. Collection method: clinical testing. Allele origin: germline. Affected: yes.
Comment: Reported, using alternate nomenclature as H54Q, in a patient with nail-patella syndrome, but detailed clinical information was not provided (PMID: 10571942); Not observed at significant frequency in large population cohorts (gnomAD); In silico analysis supports that this missense variant has a deleterious effect on protein structure/function; This variant is associated with the following publications: (PMID: 10571942)

NM_001174147.2(LMX1B):c.231C>G (p.His77Gln)

Gene: LMX1B (LIM homeobox transcription factor 1 beta; plus strand). Cytogenetic location: 9q33.3.
Variant type: single nucleotide variant.
Coding change: c.231C>G on transcript NM_001174147.2 (MANE Select); coding-DNA position 231, C replaced by G.
Protein change: p.His77Gln; replaces histidine 77 with glutamine.
Molecular consequence: missense variant.
Genome position (GRCh38, 1-based): chr9:126,615,474, C>G. VCF-style: chr9-126615474-C-G. GRCh37 (hg19) VCF-style: chr9-129377753-C-G.
Other names: c.231C>G, p.His77Gln (NM_001174146.2, NM_002316.4); short protein forms H77Q.
Identifiers: ClinVar variation 3906451 (VCV003906451.1).